The following is an entry in ClinVar:

ClinVar aggregate classification (germline): Uncertain significance. Review status: criteria provided, multiple submitters, no conflicts (2 of 4 stars). 2 submissions from 2 submitters: Uncertain significance (2). Last evaluated 2024-07-15.

Conditions:
Charcot-Marie-Tooth disease type 2E (CMT2E). Also called: CHARCOT-MARIE-TOOTH NEUROPATHY, TYPE 2E; CHARCOT-MARIE-TOOTH DISEASE, AXONAL, TYPE 2E. Identifiers: Orphanet 99939, MedGen C1843225, MONDO:0011894, OMIM 607684.

Allele frequency attached by ClinVar (database versions not stated): 1000 Genomes Project 30x 0.00016; 1000 Genomes Project 0.00020.

Submissions (2):

Labcorp Genetics (formerly Invitae), Labcorp
Classification: Uncertain significance for Charcot-Marie-Tooth disease type 2E. Last evaluated: 2024-07-15. Review status: criteria provided, single submitter. Criteria: Invitae Variant Classification Sherloc (09022015). Collection method: clinical testing. Allele origin: germline.
Comment: This sequence change replaces threonine, which is neutral and polar, with isoleucine, which is neutral and non-polar, at codon 170 of the NEFL protein (p.Thr170Ile). This variant is present in population databases (rs541360328, gnomAD 0.01%). This variant has not been reported in the literature in individuals affected with NEFL-related conditions. ClinVar contains an entry for this variant (Variation ID: 843192). Advanced modeling of protein sequence and biophysical properties (such as structural, functional, and spatial information, amino acid conservation, physicochemical variation, residue mobility, and thermodynamic stability) performed at Invitae indicates that this missense variant is not expected to disrupt NEFL protein function with a negative predictive value of 80%. In summary, the available evidence is currently insufficient to determine the role of this variant in disease. Therefore, it has been classified as a Variant of Uncertain Significance.

GeneDx
Classification: Uncertain significance. Last evaluated: 2022-03-28. Review status: criteria provided, single submitter. Criteria: GeneDx Variant Classification Process June 2021. Collection method: clinical testing. Allele origin: germline. Affected: yes.
Comment: Not observed at significant frequency in large population cohorts (gnomAD); In silico analysis supports that this missense variant does not alter protein structure/function; Has not been previously published as pathogenic or benign to our knowledge

NM_006158.5(NEFL):c.509C>T (p.Thr170Ile)

Gene: NEFL (neurofilament light chain; minus strand). Cytogenetic location: 8p21.2.
Variant type: single nucleotide variant.
Coding change: c.509C>T on transcript NM_006158.5 (MANE Select); coding-DNA position 509, C replaced by T.
Protein change: p.Thr170Ile; replaces threonine 170 with isoleucine.
Molecular consequence: missense variant.
Genome position (GRCh38, 1-based): chr8:24,956,007, G>A on the plus strand (C>T on the coding strand, the complement: NEFL is on the minus strand). VCF-style: chr8-24956007-G-A. GRCh37 (hg19) VCF-style: chr8-24813521-G-A.
Other names: short protein forms T170I.
Identifiers: ClinVar variation 843192 (VCV000843192.7), dbSNP rs541360328, ClinGen allele CA4681487.